The following is an entry in ClinVar:

NM_002778.4(PSAP):c.661G>T (p.Ala221Ser)

Gene: PSAP (prosaposin; minus strand). Cytogenetic location: 10q22.1.
Variant type: single nucleotide variant.
Coding change: c.661G>T on transcript NM_002778.4 (MANE Select); coding-DNA position 661, G replaced by T.
Protein change: p.Ala221Ser; replaces alanine 221 with serine.
Molecular consequence: missense variant.
Genome position (GRCh38, 1-based): chr10:71,828,073, C>A on the plus strand (G>T on the coding strand, the complement: PSAP is on the minus strand). VCF-style: chr10-71828073-C-A. GRCh37 (hg19) VCF-style: chr10-73587830-C-A.
Other names: c.661G>T, p.Ala221Ser (NM_001042465.3, NM_001042466.3); short protein forms A221S.
Identifiers: ClinVar variation 1713732 (VCV001713732.6), dbSNP rs747136921, ClinGen allele CA377151105.

ClinVar aggregate classification (germline): Uncertain significance (1 of 4 stars; one submission).

Conditions:
Sphingolipid activator protein 1 deficiency. Also called: METACHROMATIC LEUKODYSTROPHY DUE TO CEREBROSIDE SULFATASE ACTIVATOR DEFICIENCY; Saposin B Deficiency; Metachromatic leukodystrophy due to saposin B deficiency. Identifiers: Orphanet 512, MedGen C0268262, MONDO:0009590, OMIM 249900.

Submission:

Labcorp Genetics (formerly Invitae), Labcorp
Classification: Uncertain significance for Sphingolipid activator protein 1 deficiency. Last evaluated: 2022-07-25. Review status: criteria provided, single submitter. Criteria: Invitae Variant Classification Sherloc (09022015). Collection method: clinical testing. Allele origin: germline.
Comment: In summary, the available evidence is currently insufficient to determine the role of this variant in disease. Therefore, it has been classified as a Variant of Uncertain Significance. Algorithms developed to predict the effect of missense changes on protein structure and function output the following: SIFT: "Not Available"; PolyPhen-2: "Benign"; Align-GVGD: "Not Available". The serine amino acid residue is found in multiple mammalian species, which suggests that this missense change does not adversely affect protein function. This variant has not been reported in the literature in individuals affected with PSAP-related conditions. This variant is not present in population databases (gnomAD no frequency). This sequence change replaces alanine, which is neutral and non-polar, with serine, which is neutral and polar, at codon 221 of the PSAP protein (p.Ala221Ser).